The following is an entry in ClinVar:

ClinVar aggregate classification (germline): Uncertain significance (1 of 4 stars; one submission).

Conditions:
Charcot-Marie-Tooth disease type 4. Also called: Charcot-Marie-Tooth, Type 4; Charcot-Marie-Tooth disease, type IV. Identifiers: Orphanet 64749, MedGen C4082197, MONDO:0018995.

Submission:

Labcorp Genetics (formerly Invitae), Labcorp
Classification: Uncertain significance for Charcot-Marie-Tooth disease type 4. Last evaluated: 2025-07-16. Review status: criteria provided, single submitter. Criteria: Invitae Variant Classification Sherloc (09022015). Collection method: clinical testing. Allele origin: germline.
Comment: This sequence change replaces glutamic acid, which is acidic and polar, with aspartic acid, which is acidic and polar, at codon 813 of the FIG4 protein (p.Glu813Asp). This variant is not present in population databases (gnomAD no frequency). This variant has not been reported in the literature in individuals affected with FIG4-related conditions. An algorithm developed to predict the effect of missense changes on protein structure and function outputs the following: PolyPhen-2: "Benign". The aspartic acid amino acid residue is found in multiple mammalian species, which suggests that this missense change does not adversely affect protein function. In summary, the available evidence is currently insufficient to determine the role of this variant in disease. Therefore, it has been classified as a Variant of Uncertain Significance.

NM_014845.6(FIG4):c.2439A>T (p.Glu813Asp)

Gene: FIG4 (FIG4 phosphoinositide 5-phosphatase; plus strand). Cytogenetic location: 6q21.
Variant type: single nucleotide variant.
Coding change: c.2439A>T on transcript NM_014845.6 (MANE Select); coding-DNA position 2439, A replaced by T.
Protein change: p.Glu813Asp; replaces glutamic acid 813 with aspartic acid.
Molecular consequence: missense variant.
Genome position (GRCh38, 1-based): chr6:109,792,644, A>T. VCF-style: chr6-109792644-A-T. GRCh37 (hg19) VCF-style: chr6-110113847-A-T.
Other names: short protein forms E813D.
Identifiers: ClinVar variation 4723415 (VCV004723415.1).